The following is an entry in ClinVar:

NM_000532.5(PCCB):c.127C>T (p.Arg43Cys)

Gene: PCCB (propionyl-CoA carboxylase subunit beta; plus strand). Cytogenetic location: 3q22.3.
Variant type: single nucleotide variant.
Coding change: c.127C>T on transcript NM_000532.5 (MANE Select); coding-DNA position 127, C replaced by T.
Protein change: p.Arg43Cys; replaces arginine 43 with cysteine.
Molecular consequence: missense variant.
Genome position (GRCh38, 1-based): chr3:136,250,502, C>T. VCF-style: chr3-136250502-C-T. GRCh37 (hg19) VCF-style: chr3-135969344-C-T.
Other names: c.127C>T, p.Arg43Cys (NM_001178014.2); short protein forms R43C.
Identifiers: ClinVar variation 1384744 (VCV001384744.3), dbSNP rs1031941989, ClinGen allele CA84265579.

ClinVar aggregate classification (germline): Uncertain significance (1 of 4 stars; one submission).

Conditions:
Propionic acidemia (PROP). Also called: GLYCINEMIA, KETOTIC; HYPERGLYCINEMIA WITH KETOACIDOSIS AND LEUKOPENIA; KETOTIC HYPERGLYCINEMIA. Identifiers: Orphanet 35, MedGen C0268579, MONDO:0011628, OMIM 606054, HP:0003571.

Allele frequency attached by ClinVar (database versions not stated): gnomAD exomes below 0.00001 and 0.00002; TOPMed below 0.00001; gnomAD 0.00001.
gnomAD v4.1: 30 of 1,612,830 alleles (0.0019%); highest among the groups gnomAD compares: Non-Finnish European, 0.0024%; no homozygotes.

Submission:

Labcorp Genetics (formerly Invitae), Labcorp
Classification: Uncertain significance for Propionic acidemia. Last evaluated: 2021-12-17. Review status: criteria provided, single submitter. Criteria: Invitae Variant Classification Sherloc (09022015). Collection method: clinical testing. Allele origin: germline.
Comment: This sequence change replaces arginine, which is basic and polar, with cysteine, which is neutral and slightly polar, at codon 43 of the PCCB protein (p.Arg43Cys). The frequency data for this variant in the population databases is considered unreliable, as metrics indicate poor data quality at this position in the gnomAD database. This variant has not been reported in the literature in individuals affected with PCCB-related conditions. Algorithms developed to predict the effect of missense changes on protein structure and function (SIFT, PolyPhen-2, Align-GVGD) all suggest that this variant is likely to be disruptive. In summary, the available evidence is currently insufficient to determine the role of this variant in disease. Therefore, it has been classified as a Variant of Uncertain Significance.